The following is an entry in ClinVar:

ClinVar aggregate classification (germline): Uncertain significance (1 of 4 stars; one submission).

Allele frequency attached by ClinVar (database versions not stated): gnomAD exomes below 0.00001; ExAC 0.00001; gnomAD 0.00001; TOPMed 0.00001.
gnomAD v4.1: 5 of 1,589,678 alleles (0.00031%); highest among the groups gnomAD compares: Admixed American, 0.0017%; no homozygotes.

Submission:

Labcorp Genetics (formerly Invitae), Labcorp
Classification: Uncertain significance. Last evaluated: 2025-06-01. Review status: criteria provided, single submitter. Criteria: Invitae Variant Classification Sherloc (09022015). Collection method: clinical testing. Allele origin: germline.
Comment: This sequence change creates a premature translational stop signal (p.Arg448*) in the FSCN2 gene. While this is not anticipated to result in nonsense mediated decay, it is expected to disrupt the last 69 amino acid(s) of the FSCN2 protein. The frequency data for this variant in the population databases is considered unreliable, as metrics indicate poor data quality at this position in the gnomAD database. This variant has not been reported in the literature in individuals affected with FSCN2-related conditions. ClinVar contains an entry for this variant (Variation ID: 1002945). Experimental studies and prediction algorithms are not available or were not evaluated, and the functional significance of this variant is currently unknown. In summary, the available evidence is currently insufficient to determine the role of this variant in disease. Therefore, it has been classified as a Variant of Uncertain Significance.

NM_012418.4(FSCN2):c.1270C>T (p.Arg424Ter)

Gene: FSCN2 (fascin actin-bundling protein 2, retinal; plus strand). Cytogenetic location: 17q25.3.
Variant type: single nucleotide variant.
Coding change: c.1270C>T on transcript NM_012418.4 (MANE Select); coding-DNA position 1270, C replaced by T.
Protein change: p.Arg424Ter; replaces arginine 424 with a stop codon.
Molecular consequence: nonsense.
Genome position (GRCh38, 1-based): chr17:81,536,786, C>T. VCF-style: chr17-81536786-C-T. GRCh37 (hg19) VCF-style: chr17-79503812-C-T.
Other names: c.1342C>T, p.Arg448Ter (NM_001077182.3); short protein forms R424*, R448*.
Identifiers: ClinVar variation 1002945 (VCV001002945.6), dbSNP rs776077090, ClinGen allele CA8837055.